The following is an entry in ClinVar:

NM_133433.4(NIPBL):c.-315del

Gene: NIPBL (NIPBL cohesin loading factor; plus strand). Cytogenetic location: 5p13.2.
Variant type: Deletion.
Coding change: c.-315del on transcript NM_133433.4 (MANE Select); 315 bases upstream of the start codon, one base deleted (C; older notation c.-315delC).
Molecular consequence: 5 prime UTR variant.
Genome position (GRCh38, 1-based): chr5:36,876,943, C deleted; the last of 7 consecutive C bases (chr5:36,876,937-36,876,943); deleting any one gives the same sequence. VCF-style (leftmost placement, unchanged base first): chr5-36876936-GC-G. GRCh37 (hg19) VCF-style: chr5-36877038-GC-G.
Other names: c.-315del (NM_015384.5).
Identifiers: ClinVar variation 2983731 (VCV002983731.4), dbSNP rs2478493369, ClinGen allele CA2673573145.

ClinVar aggregate classification (germline): Uncertain significance. Review status: criteria provided, multiple submitters, no conflicts (2 of 4 stars). 2 submissions from 2 submitters: Uncertain significance (2). Last evaluated 2024-02-12.

Conditions:
Cornelia de Lange syndrome 1 (CDLS1). Also called: Brachmann de Lange syndrome; NIPBL-Related Cornelia de Lange Syndrome; TYPUS DEGENERATIVUS AMSTELODAMENSIS. Identifiers: Orphanet 199, MedGen C4551851, MONDO:0007387, OMIM 122470.

Submissions (2):

Labcorp Genetics (formerly Invitae), Labcorp
Classification: Uncertain significance for Cornelia de Lange syndrome 1. Last evaluated: 2024-02-12. Review status: criteria provided, single submitter. Criteria: Invitae Variant Classification Sherloc (09022015). Collection method: clinical testing. Allele origin: germline.
Comment: This variant occurs in a non-coding region of the NIPBL gene. It does not change the encoded amino acid sequence of the NIPBL protein. This variant is not present in population databases (gnomAD no frequency). This variant has not been reported in the literature in individuals affected with NIPBL-related conditions. In summary, the available evidence is currently insufficient to determine the role of this variant in disease. Therefore, it has been classified as a Variant of Uncertain Significance.

Blueprint Genetics
Classification: Uncertain significance. Last evaluated: 2021-05-21. Review status: criteria provided, single submitter. Criteria: ACMG Guidelines, 2015. Collection method: clinical testing. Allele origin: germline.